The following is an entry in ClinVar:

ClinVar aggregate classification (germline): Uncertain significance. Review status: criteria provided, multiple submitters, no conflicts (2 of 4 stars). 3 submissions from 3 submitters: Uncertain significance (3). Last evaluated 2025-12-09.

Conditions:
Epilepsy, progressive myoclonic, 1B. Also called: PME. Identifiers: Orphanet 308, MedGen C2676254, MONDO:0012904, OMIM 612437.

Allele frequency attached by ClinVar (database versions not stated): gnomAD 0.00003 and 0.00004; ESP Exome Variant Server 0.00008; gnomAD exomes 0.00003; TOPMed 0.00003; ExAC 0.00004.
gnomAD v4.1: 40 of 1,607,552 alleles (0.0025%); highest among the groups gnomAD compares: Middle Eastern, 0.066%; no homozygotes.

Submissions (3):

Ambry Genetics
Classification: Uncertain significance. Last evaluated: 2025-12-09. Review status: criteria provided, single submitter. Criteria: Ambry Variant Classification Scheme 2023. Collection method: clinical testing. Allele origin: germline.

Labcorp Genetics (formerly Invitae), Labcorp
Classification: Uncertain significance for Epilepsy, progressive myoclonic, 1B. Last evaluated: 2024-02-23. Review status: criteria provided, single submitter. Criteria: Invitae Variant Classification Sherloc (09022015). Collection method: clinical testing. Allele origin: germline.
Comment: This sequence change replaces serine, which is neutral and polar, with leucine, which is neutral and non-polar, at codon 549 of the PRICKLE1 protein (p.Ser549Leu). This variant is present in population databases (rs370892022, gnomAD 0.007%). This variant has not been reported in the literature in individuals affected with PRICKLE1-related conditions. ClinVar contains an entry for this variant (Variation ID: 1389067). Advanced modeling of protein sequence and biophysical properties (such as structural, functional, and spatial information, amino acid conservation, physicochemical variation, residue mobility, and thermodynamic stability) performed at Invitae indicates that this missense variant is expected to disrupt PRICKLE1 protein function with a positive predictive value of 80%. In summary, the available evidence is currently insufficient to determine the role of this variant in disease. Therefore, it has been classified as a Variant of Uncertain Significance.

Revvity Omics, Revvity
Classification: Uncertain significance for Epilepsy, progressive myoclonic, 1B. Last evaluated: 2019-02-22. Review status: criteria provided, single submitter. Criteria: ACMG Guidelines, 2015. Collection method: clinical testing. Allele origin: germline.

NM_153026.3(PRICKLE1):c.1646C>T (p.Ser549Leu)

Gene: PRICKLE1 (prickle planar cell polarity protein 1; minus strand). Cytogenetic location: 12q12.
Variant type: single nucleotide variant.
Coding change: c.1646C>T on transcript NM_153026.3 (MANE Select); coding-DNA position 1646, C replaced by T.
Protein change: p.Ser549Leu; replaces serine 549 with leucine.
Molecular consequence: missense variant.
Genome position (GRCh38, 1-based): chr12:42,460,659, G>A on the plus strand (C>T on the coding strand, the complement: PRICKLE1 is on the minus strand). VCF-style: chr12-42460659-G-A. GRCh37 (hg19) VCF-style: chr12-42854461-G-A.
Other names: c.1646C>T, p.Ser549Leu (NM_001144881.2, NM_001144882.2, NM_001144883.2); c.1646C>T (NM_153026.2); short protein forms S549L.
Identifiers: ClinVar variation 1389067 (VCV001389067.9), dbSNP rs370892022, ClinGen allele CA6519709.